The following is an entry in ClinVar:

NM_001292063.2(OTOG):c.499del (p.Val167fs)

Gene: OTOG (otogelin; plus strand). Cytogenetic location: 11p15.1.
Variant type: Deletion.
Coding change: c.499del on transcript NM_001292063.2 (MANE Select); coding-DNA position 499, one base deleted (G; older notation c.499delG).
Protein change: p.Val167fs; shifts the reading frame from valine 167.
Molecular consequence: frameshift variant.
Genome position (GRCh38, 1-based): chr11:17,553,478, G deleted; the last of 2 consecutive G bases (chr11:17,553,477-17,553,478); deleting either gives the same sequence. VCF-style (leftmost placement, unchanged base first): chr11-17553476-TG-T. GRCh37 (hg19) VCF-style: chr11-17575023-TG-T.
Other names: c.535del, p.Val179fs (NM_001277269.2); c.535delG (NM_001277269.1); short protein forms V167fs.
Identifiers: ClinVar variation 228284 (VCV000228284.17), dbSNP rs876657657, ClinGen allele CA5905365.

ClinVar aggregate classification (germline): Pathogenic/Likely pathogenic. Review status: criteria provided, multiple submitters, no conflicts (2 of 4 stars). 5 submissions from 5 submitters: Pathogenic (2); Likely pathogenic (3). Last evaluated 2025-12-24.

Conditions:
OTOG-related disorder. Also called: OTOG-related condition.
Rare genetic deafness. Identifiers: Orphanet 96210, MedGen C5680250.

Submissions (5):

Labcorp Genetics (formerly Invitae), Labcorp
Classification: Pathogenic. Last evaluated: 2025-12-24. Review status: criteria provided, single submitter. Criteria: Invitae Variant Classification Sherloc (09022015). Collection method: clinical testing. Allele origin: germline.
Comment: This sequence change creates a premature translational stop signal (p.Val179Trpfs*53) in the OTOG gene. It is expected to result in an absent or disrupted protein product. Loss-of-function variants in OTOG are known to be pathogenic (PMID: 23122587). This variant is present in population databases (rs751127167, gnomAD 0.1%). This variant has not been reported in the literature in individuals affected with OTOG-related conditions. ClinVar contains an entry for this variant (Variation ID: 228284). For these reasons, this variant has been classified as Pathogenic.

PreventionGenetics, part of Exact Sciences
Classification: Likely pathogenic for OTOG-related condition. Last evaluated: 2025-08-14. Review status: criteria provided, single submitter. Criteria: ACMG Guidelines, 2015. Collection method: clinical testing. Allele origin: germline.
Comment: The OTOG c.535delG variant is predicted to result in a frameshift and premature protein termination (p.Val179Trpfs*53). This variant was reported along with a second potentially causative OTOG variant in an individual with congenital hearing loss (Perry et al. 2022. PubMed ID: 36515421). This variant is reported in 0.12% of alleles in individuals of African descent in gnomAD. Frameshift variants in OTOG are expected to be pathogenic. This variant is interpreted as likely pathogenic.

GeneDx
Classification: Pathogenic. Last evaluated: 2025-02-07. Review status: criteria provided, single submitter. Criteria: GeneDx Variant Classification Process June 2021. Collection method: clinical testing. Allele origin: germline. Affected: yes.
Comment: Identified with a second variant, phase unknown, in a patient with severe-profound bilateral sensorineural hearing loss in the published literature (PMID: 36515421); Frameshift variant predicted to result in protein truncation or nonsense mediated decay in a gene for which loss of function is a known mechanism of disease; This variant is associated with the following publications: (PMID: 36147510, 36515421)

Athena Diagnostics
Classification: Likely pathogenic. Last evaluated: 2018-05-23. Review status: criteria provided, single submitter. Criteria: Athena Diagnostics Criteria. Collection method: clinical testing. Allele origin: germline.

Laboratory for Molecular Medicine, Mass General Brigham Personalized Medicine
Classification: Likely pathogenic for Rare genetic deafness. Last evaluated: 2016-02-04. Review status: criteria provided, single submitter. Criteria: LMM Criteria. Collection method: clinical testing. Allele origin: germline. Inheritance: Autosomal recessive inheritance. Observed: 1 variant allele.
Comment: The p.Val179fs variant in OTOG has not been previously reported in individuals w ith hearing loss. This variant has been identified in 1/722 of African chromosom es by the Exome Aggregation Consortium (ExAC); h owever, this frequency is low enough to be consistent with a recessive carrier f requency. This variant is predicted to cause a frameshift, which alters the prot ein?s amino acid sequence beginning at position 179 and leads to a premature ter mination codon 53 amino acids downstream. This alteration is then predicted to l ead to a truncated or absent protein. Two loss of function variants in the OTOG gene have been reported to segregate with hearing loss in two families (Schrader s 2012), and disruption of Otog in mice resulted in deafness supporting of a los s-of-function mechanism for the disease (Simmler 2000). While these two studies provide evidence of a causative link between loss of function of OTOG and autoso mal recessive hearing loss, to date, no other publications report on OTOG varian ts in individuals with hearing loss. In summary, although additional evidence is required to strengthen the gene-disease association for OTOG and hearing loss, the current data supports a likely pathogenic role for the p.Val179fs variant.

Literature cited by the submitters: PubMed 23122587 (cited by Labcorp Genetics (formerly Invitae), Labcorp).